The following is an entry in ClinVar:

ClinVar aggregate classification (germline): Uncertain significance (1 of 4 stars; one submission).

Allele frequency attached by ClinVar (database versions not stated): TOPMed below 0.00001; gnomAD exomes 0.00001; ExAC 0.00003; gnomAD 0.00003.
gnomAD v4.1: 17 of 1,613,492 alleles (0.0011%); highest among the groups gnomAD compares: South Asian, 0.0077%; no homozygotes.

Submission:

Labcorp Genetics (formerly Invitae), Labcorp
Classification: Uncertain significance. Last evaluated: 2022-01-03. Review status: criteria provided, single submitter. Criteria: Invitae Variant Classification Sherloc (09022015). Collection method: clinical testing. Allele origin: germline.
Comment: In summary, the available evidence is currently insufficient to determine the role of this variant in disease. Therefore, it has been classified as a Variant of Uncertain Significance. Algorithms developed to predict the effect of sequence changes on RNA splicing suggest that this variant may create or strengthen a splice site. Algorithms developed to predict the effect of missense changes on protein structure and function output the following: SIFT: "Tolerated"; PolyPhen-2: "Benign"; Align-GVGD: "Class C0". The glutamine amino acid residue is found in multiple mammalian species, which suggests that this missense change does not adversely affect protein function. This variant has not been reported in the literature in individuals affected with GLYCTK-related conditions. The frequency data for this variant in the population databases is considered unreliable, as metrics indicate poor data quality at this position in the gnomAD database. This sequence change replaces arginine, which is basic and polar, with glutamine, which is neutral and polar, at codon 523 of the GLYCTK protein (p.Arg523Gln).

NM_145262.4(GLYCTK):c.1568G>A (p.Arg523Gln)

Gene: GLYCTK (glycerate kinase; plus strand). Cytogenetic location: 3p21.2.
Variant type: single nucleotide variant.
Coding change: c.1568G>A on transcript NM_145262.4 (MANE Select); coding-DNA position 1568, G replaced by A.
Protein change: p.Arg523Gln; replaces arginine 523 with glutamine.
Molecular consequence: missense variant. On other transcripts: 3 prime UTR variant (1), non-coding transcript variant (4).
Genome position (GRCh38, 1-based): chr3:52,293,122, G>A. VCF-style: chr3-52293122-G-A. GRCh37 (hg19) VCF-style: chr3-52327138-G-A.
Other names: c.*687G>A (NM_001144951.2); short protein forms R523Q.
Identifiers: ClinVar variation 2084751 (VCV002084751.4), dbSNP rs753363748, ClinGen allele CA2432357.